The following is an entry in ClinVar:

Single allele

Gene: DMD (dystrophin; minus strand). Cytogenetic location: Xp21.1.
Variant type: Duplication.
Identifiers: ClinVar variation 4820226 (VCV004820226.1).

ClinVar aggregate classification (germline): Pathogenic (1 of 4 stars; one submission).

Conditions:
Duchenne muscular dystrophy (DMD). Also called: Duchenne Muscular Dystrophy (DMD); MUSCULAR DYSTROPHY, PSEUDOHYPERTROPHIC PROGRESSIVE, DUCHENNE TYPE. Identifiers: Orphanet 98896, MedGen C0013264, MONDO:0010679, OMIM 310200.

Submission:

Mendelics
Classification: Pathogenic for Duchenne muscular dystrophy. Last evaluated: 2026-03-28. Review status: criteria provided, single submitter. Criteria: ACMG Guidelines, 2015. Collection method: clinical testing. Allele origin: unknown.
Comment: Duplication of gene DMD.